The following is an entry in ClinVar:

NM_181486.4(TBX5):c.729G>T (p.Glu243Asp)

Gene: TBX5 (T-box transcription factor 5; minus strand). Cytogenetic location: 12q24.21.
Variant type: single nucleotide variant.
Coding change: c.729G>T on transcript NM_181486.4 (MANE Select); coding-DNA position 729, G replaced by T.
Protein change: p.Glu243Asp; replaces glutamic acid 243 with aspartic acid.
Molecular consequence: missense variant.
Genome position (GRCh38, 1-based): chr12:114,385,502, C>A on the plus strand (G>T on the coding strand, the complement: TBX5 is on the minus strand). VCF-style: chr12-114385502-C-A. GRCh37 (hg19) VCF-style: chr12-114823307-C-A.
Other names: c.729G>T, p.Glu243Asp (NM_000192.3); c.579G>T, p.Glu193Asp (NM_080717.4); short protein forms E243D, E193D.
Identifiers: ClinVar variation 519311 (VCV000519311.23), dbSNP rs186183947, ClinGen allele CA6809524.

ClinVar aggregate classification (germline): Benign/Likely benign. Review status: criteria provided, multiple submitters, no conflicts (2 of 4 stars). 5 submissions from 5 submitters: Benign (1); Likely benign (4). Last evaluated 2025-11-20.

Conditions:
Aortic valve disease 2 (AOVD2). Identifiers: MedGen C3542024, MONDO:0013902, OMIM 614823.
Cardiovascular phenotype. Identifiers: MedGen CN230736.
Holt-Oram syndrome (HOS). Also called: Ventriculo-radial syndrome; Cardiac-limb syndrome; Heart-hand syndrome, type 1; TBX5-Related Holt-Oram Syndrome. Identifiers: Orphanet 392, MedGen C0265264, MONDO:0007732, OMIM 142900.

Allele frequency attached by ClinVar (database versions not stated): gnomAD 0.00001 and 0.00002; TOPMed 0.00002; gnomAD exomes 0.00004 and 0.00006; ExAC 0.00007; 1000 Genomes Project 30x 0.00031; 1000 Genomes Project 0.00040.
gnomAD v4.1: 70 of 1,614,174 alleles (0.0043%); highest among the groups gnomAD compares: East Asian, 0.12%; no homozygotes.

Submissions (5):

Labcorp Genetics (formerly Invitae), Labcorp
Classification: Likely benign for Aortic valve disease 2. Last evaluated: 2025-11-20. Review status: criteria provided, single submitter. Criteria: Invitae Variant Classification Sherloc (09022015). Collection method: clinical testing. Allele origin: germline.

CeGaT Center for Human Genetics Tuebingen
Classification: Likely benign. Last evaluated: 2025-09-01. Review status: criteria provided, single submitter. Criteria: CeGaT Center For Human Genetics Tuebingen Variant Classification Criteria Version 2. Collection method: clinical testing. Allele origin: germline. Affected: yes. Observed: 1 variant allele.
Comment: TBX5: BS1

Department of Pathology and Laboratory Medicine, Sinai Health System
Classification: Likely benign for Holt-Oram syndrome. Last evaluated: 2021-07-30. Review status: criteria provided, single submitter. Criteria: ACMG Guidelines, 2015. Collection method: research. Allele origin: germline.

Ambry Genetics
Classification: Likely benign for Cardiovascular phenotype. Last evaluated: 2019-01-09. Review status: criteria provided, single submitter. Criteria: Ambry Variant Classification Scheme 2023. Collection method: clinical testing. Allele origin: germline.

Illumina Laboratory Services, Illumina
Classification: Benign for Holt-Oram syndrome. Last evaluated: 2018-01-12. Review status: criteria provided, single submitter. Criteria: ICSL Variant Classification Criteria 13 December 2019. Collection method: clinical testing. Allele origin: germline.
Comment: This variant was observed in the ICSL laboratory as part of a predisposition screen in an ostensibly healthy population. It had not been previously curated by ICSL or reported in the Human Gene Mutation Database (HGMD: prior to June 1st, 2018), and was therefore a candidate for classification through an automated scoring system. Utilizing variant allele frequency, disease prevalence and penetrance estimates, and inheritance mode, an automated score was calculated to assess if this variant is too frequent to cause the disease. Based on the score and internal cut-off values, a variant classified as benign is not then subjected to further curation. The score for this variant resulted in a classification of benign for this disease.